The following is an entry in ClinVar:

ClinVar aggregate classification (germline): Uncertain significance (1 of 4 stars; one submission).

Submission:

Labcorp Genetics (formerly Invitae), Labcorp
Classification: Uncertain significance. Last evaluated: 2023-03-31. Review status: criteria provided, single submitter. Criteria: Invitae Variant Classification Sherloc (09022015). Collection method: clinical testing. Allele origin: germline.
Comment: This sequence change replaces proline, which is neutral and non-polar, with threonine, which is neutral and polar, at codon 2024 of the POLE protein (p.Pro2024Thr). Information on the frequency of this variant in the gnomAD database is not available, as this variant may be reported differently in the database. This variant has not been reported in the literature in individuals affected with POLE-related conditions. ClinVar contains an entry for this variant (Variation ID: 1916916). Experimental studies and prediction algorithms are not available or were not evaluated, and the functional significance of this variant is currently unknown. In summary, the available evidence is currently insufficient to determine the role of this variant in disease. Therefore, it has been classified as a Variant of Uncertain Significance.

NM_006231.4(POLE):c.6069_6070delinsAA (p.Pro2024Thr)

Gene: POLE (DNA polymerase epsilon, catalytic subunit; minus strand). Cytogenetic location: 12q24.33.
Variant type: Indel.
Coding change: c.6069_6070delinsAA on transcript NM_006231.4 (MANE Select); coding-DNA positions 6069 to 6070, CC replaced by AA.
Protein change: p.Pro2024Thr; replaces proline 2024 with threonine.
Molecular consequence: missense variant.
Genome position (GRCh38, 1-based): chr12:132,632,730-132,632,731, GG replaced by TT on the plus strand (CC replaced by AA on the coding strand, the reverse complement: POLE is on the minus strand). VCF-style: chr12-132632730-GG-TT. GRCh37 (hg19) VCF-style: chr12-133209316-GG-TT.
Other names: short protein forms P2024T.
Identifiers: ClinVar variation 1916916 (VCV001916916.5), dbSNP rs2541855978, ClinGen allele CA2580086145.